The following is an entry in ClinVar:

ClinVar aggregate classification (germline): Conflicting classifications of pathogenicity. Review status: criteria provided, conflicting classifications (1 of 4 stars). 2 submissions from 2 submitters: Uncertain significance (1); Likely benign (1). Last evaluated 2026-03-18.

Conditions:
Hereditary cancer-predisposing syndrome. Also called: Tumor predisposition; Hereditary Cancer Syndrome; Neoplastic Syndromes, Hereditary; Hereditary neoplastic syndrome. Identifiers: Orphanet 140162, MedGen C0027672, MeSH D009386, MONDO:0015356.

gnomAD v4.1: 1 of 1,613,882 alleles (0.000062%); highest among the groups gnomAD compares: East Asian, 0.0022%; no homozygotes.

Submissions (2):

Ambry Genetics
Classification: Likely benign for Hereditary cancer-predisposing syndrome. Last evaluated: 2026-03-18. Review status: criteria provided, single submitter. Criteria: Ambry Variant Classification Scheme 2023. Collection method: clinical testing. Allele origin: germline.

Color Diagnostics, LLC DBA Color Health
Classification: Uncertain significance for Hereditary cancer-predisposing syndrome. Last evaluated: 2024-04-09. Review status: criteria provided, single submitter. Criteria: ACMG Guidelines, 2015. Collection method: clinical testing. Allele origin: germline.
Comment: This missense variant replaces alanine with threonine at codon 1089 of the ATM protein. Computational prediction suggests that this variant may not impact protein structure and function. To our knowledge, functional studies have not been reported for this variant. This variant has not been reported in individuals affected with ATM-related disorders in the literature. This variant has not been identified in the general population by the Genome Aggregation Database (gnomAD). The available evidence is insufficient to determine the role of this variant in disease conclusively. Therefore, this variant is classified as a Variant of Uncertain Significance.

NM_000051.4(ATM):c.3265G>A (p.Ala1089Thr)

Gene: ATM (ATM serine/threonine kinase; plus strand). Cytogenetic location: 11q22.3.
Variant type: single nucleotide variant.
Coding change: c.3265G>A on transcript NM_000051.4 (MANE Select); coding-DNA position 3265, G replaced by A.
Protein change: p.Ala1089Thr; replaces alanine 1089 with threonine.
Molecular consequence: missense variant.
Genome position (GRCh38, 1-based): chr11:108,272,833, G>A. VCF-style: chr11-108272833-G-A. GRCh37 (hg19) VCF-style: chr11-108143560-G-A.
Other names: c.3265G>A, p.Ala1089Thr (NM_001351834.2); short protein forms A1089T.
Identifiers: ClinVar variation 629809 (VCV000629809.5), dbSNP rs730881358, ClinGen allele CA382516154.